The following is an entry in ClinVar:

NM_004655.4(AXIN2):c.1195del (p.Arg399fs)

Gene: AXIN2 (axin 2; minus strand). Cytogenetic location: 17q24.1.
Variant type: Deletion.
Coding change: c.1195del on transcript NM_004655.4 (MANE Select); coding-DNA position 1195, one base deleted (C; older notation c.1195delC).
Protein change: p.Arg399fs; shifts the reading frame from arginine 399.
Molecular consequence: frameshift variant.
Genome position (GRCh38, 1-based): chr17:65,538,208, G deleted on the plus strand (C on the coding strand, the reverse complement: AXIN2 is on the minus strand); the first of 2 consecutive G bases (chr17:65,538,208-65,538,209); deleting either gives the same sequence. VCF-style (leftmost placement, unchanged base first): chr17-65538207-CG-C. GRCh37 (hg19) VCF-style: chr17-63534325-CG-C.
Other names: c.1195del, p.Arg399fs (NM_001363813.1); c.1195delC (NM_004655.3); short protein forms R399fs.
Identifiers: ClinVar variation 1304587 (VCV001304587.4), dbSNP rs2144475594, ClinGen allele CA2573054550.

ClinVar aggregate classification (germline): Conflicting classifications of pathogenicity. Review status: criteria provided, conflicting classifications (1 of 4 stars). 2 submissions from 2 submitters: Pathogenic (1); Uncertain significance (1). Last evaluated 2020-09-09.

Conditions:
Hereditary cancer-predisposing syndrome. Also called: Tumor predisposition; Neoplastic Syndromes, Hereditary; Hereditary Cancer Syndrome; Hereditary neoplastic syndrome. Identifiers: Orphanet 140162, MedGen C0027672, MeSH D009386, MONDO:0015356.

Submissions (2):

Ambry Genetics
Classification: Pathogenic for Hereditary cancer-predisposing syndrome. Last evaluated: 2020-09-09. Review status: criteria provided, single submitter. Criteria: Ambry Variant Classification Scheme 2023. Collection method: clinical testing. Allele origin: germline.
Comment: The c.1195delC pathogenic mutation, located in coding exon 4 of the AXIN2 gene, results from a deletion of one nucleotide at nucleotide position 1195, causing a translational frameshift with a predicted alternate stop codon (p.R399Efs*59). This alteration is expected to result in loss of function by premature protein truncation or nonsense-mediated mRNA decay. As such, this alteration is interpreted as a disease-causing mutation.

GeneDx
Classification: Uncertain significance. Last evaluated: 2019-05-07. Review status: criteria provided, single submitter. Criteria: GeneDx Variant Classification Process June 2021. Collection method: clinical testing. Allele origin: germline. Affected: yes.
Comment: Not observed in large population cohorts (Lek et al., 2016); Has not been previously published as pathogenic or benign to our knowledge